The following is an entry in ClinVar:

ClinVar aggregate classification (germline): Uncertain significance. Review status: criteria provided, multiple submitters, no conflicts (2 of 4 stars). 2 submissions from 2 submitters: Uncertain significance (2). Last evaluated 2025-12-10.

Conditions:
Inborn genetic diseases. Identifiers: MedGen C0950123, MeSH D030342.

gnomAD v4.1: 1 of 1,613,610 alleles (0.000062%); highest among the groups gnomAD compares: African/African-American, 0.0013%; no homozygotes.

Submissions (2):

Ambry Genetics
Classification: Uncertain significance for Inborn genetic diseases. Last evaluated: 2025-12-10. Review status: criteria provided, single submitter. Criteria: Ambry Variant Classification Scheme 2023. Collection method: clinical testing. Allele origin: germline.

Quest Diagnostics Nichols Institute San Juan Capistrano
Classification: Uncertain significance. Last evaluated: 2023-12-27. Review status: criteria provided, single submitter. Criteria: Quest Diagnostics criteria. Collection method: clinical testing. Allele origin: unknown.
Comment: The FANCA c.3511C>G (p.Leu1171Val) variant has not been reported in individuals with FANCA-related conditions in the published literature. The frequency of this variant in the general population, 0.000004 (1/251400 chromosomes (Genome Aggregation Database)), is uninformative in the assessment of its pathogenicity. Analysis of this variant using bioinformatics tools for the prediction of the effect of amino acid changes on protein structure and function yielded predictions that this variant is benign. Based on the available information, we are unable to determine the clinical significance of this variant.

NM_000135.4(FANCA):c.3511C>G (p.Leu1171Val)

Gene: FANCA (FA complementation group A; minus strand). Cytogenetic location: 16q24.3.
Variant type: single nucleotide variant.
Coding change: c.3511C>G on transcript NM_000135.4 (MANE Select); coding-DNA position 3511, C replaced by G.
Protein change: p.Leu1171Val; replaces leucine 1171 with valine.
Molecular consequence: missense variant.
Genome position (GRCh38, 1-based): chr16:89,746,586, G>C on the plus strand (C>G on the coding strand, the complement: FANCA is on the minus strand). VCF-style: chr16-89746586-G-C. GRCh37 (hg19) VCF-style: chr16-89812994-G-C.
Other names: c.3511C>G, p.Leu1171Val (NM_001286167.3); short protein forms L1171V.
Identifiers: ClinVar variation 3572400 (VCV003572400.3).